The following is an entry in ClinVar:

NM_003238.6(TGFB2):c.558C>A (p.Asp186Glu)

Gene: TGFB2 (transforming growth factor beta 2; plus strand). Cytogenetic location: 1q41.
Variant type: single nucleotide variant.
Coding change: c.558C>A on transcript NM_003238.6 (MANE Select); coding-DNA position 558, C replaced by A.
Protein change: p.Asp186Glu; replaces aspartic acid 186 with glutamic acid.
Molecular consequence: missense variant. On other transcripts: non-coding transcript variant (2).
Genome position (GRCh38, 1-based): chr1:218,434,129, C>A. VCF-style: chr1-218434129-C-A. GRCh37 (hg19) VCF-style: chr1-218607471-C-A.
Other names: c.642C>A, p.Asp214Glu (NM_001135599.4); short protein forms D214E, D186E.
Identifiers: ClinVar variation 3325692 (VCV003325692.1).

ClinVar aggregate classification (germline): Uncertain significance (1 of 4 stars; one submission).

Conditions:
Familial thoracic aortic aneurysm and aortic dissection (TAAD). Also called: Thoracic aortic aneurysms and dissections. Identifiers: Orphanet 91387, MedGen C4707243, MONDO:0019625.

Submission:

Ambry Genetics
Classification: Uncertain significance for Familial thoracic aortic aneurysm and aortic dissection. Last evaluated: 2024-04-27. Review status: criteria provided, single submitter. Criteria: Ambry Variant Classification Scheme 2023. Collection method: clinical testing. Allele origin: germline.
Comment: The p.D186E variant (also known as c.558C>A), located in coding exon 3 of the TGFB2 gene, results from a C to A substitution at nucleotide position 558. The aspartic acid at codon 186 is replaced by glutamic acid, an amino acid with highly similar properties. This amino acid position is conserved. In addition, this alteration is predicted to be tolerated by in silico analysis. Based on the available evidence, the clinical significance of this variant remains unclear.